The following is an entry in ClinVar:

ClinVar aggregate classification (germline): Uncertain significance (1 of 4 stars; one submission).

Conditions:
Agammaglobulinemia 4, autosomal recessive (AGM4). Also called: AGAMMAGLOBULINEMIA, AUTOSOMAL RECESSIVE, DUE TO BLNK DEFECT; B cell linker protein deficiency. Identifiers: MedGen C3150752, MONDO:0013289, OMIM 613502.

Allele frequency attached by ClinVar (database versions not stated): gnomAD exomes below 0.00001; gnomAD 0.00001.
gnomAD v4.1: 7 of 1,614,006 alleles (0.00043%); highest among the groups gnomAD compares: Non-Finnish European, 0.00059%; no homozygotes.

Submission:

Labcorp Genetics (formerly Invitae), Labcorp
Classification: Uncertain significance for Agammaglobulinemia 4, autosomal recessive. Last evaluated: 2023-05-08. Review status: criteria provided, single submitter. Criteria: Invitae Variant Classification Sherloc (09022015). Collection method: clinical testing. Allele origin: germline.
Comment: In summary, the available evidence is currently insufficient to determine the role of this variant in disease. Therefore, it has been classified as a Variant of Uncertain Significance. Advanced modeling of protein sequence and biophysical properties (such as structural, functional, and spatial information, amino acid conservation, physicochemical variation, residue mobility, and thermodynamic stability) performed at Invitae indicates that this missense variant is not expected to disrupt BLNK protein function. ClinVar contains an entry for this variant (Variation ID: 2072426). This variant has not been reported in the literature in individuals affected with BLNK-related conditions. This variant is not present in population databases (gnomAD no frequency). This sequence change replaces serine, which is neutral and polar, with cysteine, which is neutral and slightly polar, at codon 219 of the BLNK protein (p.Ser219Cys).

NM_013314.4(BLNK):c.656C>G (p.Ser219Cys)

Gene: BLNK (B cell linker; minus strand). Cytogenetic location: 10q24.1.
Variant type: single nucleotide variant.
Coding change: c.656C>G on transcript NM_013314.4 (MANE Select); coding-DNA position 656, C replaced by G.
Protein change: p.Ser219Cys; replaces serine 219 with cysteine.
Molecular consequence: missense variant. On other transcripts: non-coding transcript variant (1), intron variant (3).
Genome position (GRCh38, 1-based): chr10:96,215,341, G>C on the plus strand (C>G on the coding strand, the complement: BLNK is on the minus strand). VCF-style: chr10-96215341-G-C. GRCh37 (hg19) VCF-style: chr10-97975097-G-C.
Other names: c.656C>G, p.Ser219Cys (NM_001258440.2); c.350-9C>G (NM_001258442.2); c.607+1312C>G (NM_001258441.2, NM_001114094.2); short protein forms S219C.
Identifiers: ClinVar variation 2072426 (VCV002072426.2), dbSNP rs2084038662, ClinGen allele CA377723171.
Genomic context (GRCh38, chr10:96,215,341, plus strand): 5'-AATAGACGTAAAACCAAACCAAATCACACATACACTTTACCTGAAGCTGTTCCTGGAGGA[G>C]AGGCGGGCGTTGAGGAATTTGGCTTGGTTGATCTATTCACCATGGGAGCTTAAACACAGA-3'
Protein context (NP_037446.1, residues 209-229): STKPNSSTPA[Ser219Cys]PPGTASGRNS